The following is an entry in ClinVar:

ClinVar aggregate classification (germline): Uncertain significance (1 of 4 stars; one submission).

Conditions:
RASopathy. Also called: Noonan spectrum disorder; rasopathies. Identifiers: Orphanet 536391, MedGen C5555857, MONDO:0021060.

Submission:

Labcorp Genetics (formerly Invitae), Labcorp
Classification: Uncertain significance for RASopathy. Last evaluated: 2024-07-17. Review status: criteria provided, single submitter. Criteria: Invitae Variant Classification Sherloc (09022015). Collection method: clinical testing. Allele origin: germline.
Comment: This sequence change replaces proline, which is neutral and non-polar, with leucine, which is neutral and non-polar, at codon 106 of the SOS1 protein (p.Pro106Leu). This variant is not present in population databases (gnomAD no frequency). This variant has not been reported in the literature in individuals affected with SOS1-related conditions. Advanced modeling of protein sequence and biophysical properties (such as structural, functional, and spatial information, amino acid conservation, physicochemical variation, residue mobility, and thermodynamic stability) has been performed at Invitae for this missense variant, however the output from this modeling did not meet the statistical confidence thresholds required to predict the impact of this variant on SOS1 protein function. In summary, the available evidence is currently insufficient to determine the role of this variant in disease. Therefore, it has been classified as a Variant of Uncertain Significance.

NM_005633.4(SOS1):c.317C>T (p.Pro106Leu)

Gene: SOS1 (SOS Ras/Rac guanine nucleotide exchange factor 1; minus strand). Cytogenetic location: 2p22.1.
Variant type: single nucleotide variant.
Coding change: c.317C>T on transcript NM_005633.4 (MANE Select); coding-DNA position 317, C replaced by T.
Protein change: p.Pro106Leu; replaces proline 106 with leucine.
Molecular consequence: missense variant.
Genome position (GRCh38, 1-based): chr2:39,058,701, G>A on the plus strand (C>T on the coding strand, the complement: SOS1 is on the minus strand). VCF-style: chr2-39058701-G-A. GRCh37 (hg19) VCF-style: chr2-39285842-G-A.
Other names: c.296C>T, p.Pro99Leu (NM_001382394.1); c.317C>T, p.Pro106Leu (NM_001382395.1); short protein forms P106L, P99L.
Identifiers: ClinVar variation 3659705 (VCV003659705.2).